The following is an entry in ClinVar:

NM_001388492.1(HTT):c.5545C>T (p.Arg1849Cys)

Gene: HTT (huntingtin; plus strand). Cytogenetic location: 4p16.3.
Variant type: single nucleotide variant.
Coding change: c.5545C>T on transcript NM_001388492.1 (MANE Select); coding-DNA position 5545, C replaced by T.
Protein change: p.Arg1849Cys; replaces arginine 1849 with cysteine.
Molecular consequence: missense variant.
Genome position (GRCh38, 1-based): chr4:3,199,908, C>T. VCF-style: chr4-3199908-C-T. GRCh37 (hg19) VCF-style: chr4-3201635-C-T.
Other names: c.5551C>T, p.Arg1851Cys (NM_002111.8); short protein forms R1849C, R1851C.
Identifiers: ClinVar variation 1427399 (VCV001427399.6), dbSNP rs1453298067, ClinGen allele CA356077552.

ClinVar aggregate classification (germline): Uncertain significance (1 of 4 stars; one submission).

Allele frequency attached by ClinVar (database versions not stated): TOPMed 0.00001; gnomAD exomes 0.00002.
gnomAD v4.1: 28 of 1,613,920 alleles (0.0017%); highest among the groups gnomAD compares: Admixed American, 0.0033%; no homozygotes.

Submission:

Labcorp Genetics (formerly Invitae), Labcorp
Classification: Uncertain significance. Last evaluated: 2021-05-14. Review status: criteria provided, single submitter. Criteria: Invitae Variant Classification Sherloc (09022015). Collection method: clinical testing. Allele origin: germline.
Comment: In summary, the available evidence is currently insufficient to determine the role of this variant in disease. Therefore, it has been classified as a Variant of Uncertain Significance. Experimental studies and prediction algorithms are not available or were not evaluated, and the functional significance of this variant is currently unknown. This variant has not been reported in the literature in individuals with HTT-related conditions. This variant is not present in population databases (ExAC no frequency). This sequence change replaces arginine with cysteine at codon 1851 of the HTT protein (p.Arg1851Cys). The arginine residue is weakly conserved and there is a large physicochemical difference between arginine and cysteine.